The following is an entry in ClinVar:

NM_017654.4(SAMD9):c.3862G>T (p.Glu1288Ter)

Gene: SAMD9 (sterile alpha motif domain containing 9; minus strand). Cytogenetic location: 7q21.2.
Variant type: single nucleotide variant.
Coding change: c.3862G>T on transcript NM_017654.4 (MANE Select); coding-DNA position 3862, G replaced by T.
Protein change: p.Glu1288Ter; replaces glutamic acid 1288 with a stop codon.
Molecular consequence: nonsense.
Genome position (GRCh38, 1-based): chr7:93,102,236, C>A on the plus strand (G>T on the coding strand, the complement: SAMD9 is on the minus strand). VCF-style: chr7-93102236-C-A. GRCh37 (hg19) VCF-style: chr7-92731549-C-A.
Other names: c.3862G>T, p.Glu1288Ter (NM_001193307.2); short protein forms E1288*.
Identifiers: ClinVar variation 5003460 (VCV005003460.1).
Genomic context (GRCh38, chr7:93,102,236, plus strand): 5'-AAAATATATCTACATATTTCTTAAAATATCCAGCCACCTTTCTCCGAGTTTTGGCCTCTT[C>A]ATTTTGCTTAATATTGTTCCTGGGTTTTAGCAGGACAAAGTATTCATCAAAAAAATCAAA-3'

ClinVar aggregate classification (germline): Uncertain significance (1 of 4 stars; one submission).

Conditions:
Normophosphatemic familial tumoral calcinosis. Also called: CALCINOSIS, TUMORAL, WITH NORMOPHOSPHATEMIA. Identifiers: Orphanet 306658, Orphanet 53715, MedGen C1864861, MONDO:0012502, OMIM 610455.

Submission:

Myriad Genetics, Inc.
Classification: Uncertain significance for Normophosphatemic familial tumoral calcinosis. Last evaluated: 2026-07-15. Review status: criteria provided, single submitter. Criteria: Myriad Autosomal Dominant, Autosomal Recessive and X-Linked Classification Criteria (2023). Collection method: clinical testing. Allele origin: unknown.
Comment: NM_017654.3(SAMD9):c.3862G>T(E1288*) is a nonsense variant classified as a variant of uncertain significance in the context of normophosphatemic familial tumoral calcinosis. E1288* has not been observed in cases with relevant disease. Relevant functional assessments of this variant are not available in the literature. E1288* has not been observed in referenced population frequency databases. In summary, there is insufficient evidence to classify NM_017654.3(SAMD9):c.3862G>T(E1288*) as pathogenic or benign. Please note: this variant was assessed in the context of healthy population screening.